The following is an entry in ClinVar:

ClinVar aggregate classification (germline): Benign/Likely benign. Review status: criteria provided, multiple submitters, no conflicts (2 of 4 stars). 3 submissions from 3 submitters: Benign (1); Likely benign (2). Last evaluated 2025-01-05.

Conditions:
Birt-Hogg-Dube syndrome 1 (BHD1). Also called: FIBROFOLLICULOMAS WITH TRICHODISCOMAS AND ACROCHORDONS. Identifiers: Orphanet 122, MedGen CN375946, MONDO:0800445, OMIM 135150.
Hereditary cancer-predisposing syndrome. Also called: Tumor predisposition; Hereditary neoplastic syndrome; Neoplastic Syndromes, Hereditary; Hereditary Cancer Syndrome. Identifiers: Orphanet 140162, MedGen C0027672, MeSH D009386, MONDO:0015356.
Birt-Hogg-Dube syndrome. Also called: Birt Hogg Dubé syndrome. Identifiers: Orphanet 122, MedGen C0346010, MONDO:0800444.

Allele frequency attached by ClinVar (database versions not stated): TOPMed below 0.00001; ExAC 0.00001; gnomAD exomes 0.00001.
gnomAD v4.1: 6 of 1,614,206 alleles (0.00037%); highest among the groups gnomAD compares: South Asian, 0.0044%; 1 homozygote.

Submissions (3):

Labcorp Genetics (formerly Invitae), Labcorp
Classification: Likely benign for Birt-Hogg-Dube syndrome. Last evaluated: 2025-01-05. Review status: criteria provided, single submitter. Criteria: Invitae Variant Classification Sherloc (09022015). Collection method: clinical testing. Allele origin: germline.

Myriad Genetics, Inc.
Classification: Benign for Birt-Hogg-Dube syndrome 1. Last evaluated: 2024-10-23. Review status: criteria provided, single submitter. Criteria: Myriad Autosomal Dominant, Autosomal Recessive and X-Linked Classification Criteria (2023). Collection method: clinical testing. Allele origin: unknown.
Comment: This variant is considered benign. This variant is a silent/synonymous amino acid change and it is not expected to impact splicing.

Ambry Genetics
Classification: Likely benign for Hereditary cancer-predisposing syndrome. Last evaluated: 2022-09-12. Review status: criteria provided, single submitter. Criteria: Ambry Variant Classification Scheme 2023. Collection method: clinical testing. Allele origin: germline.

NM_144997.7(FLCN):c.984G>A (p.Glu328=)

Gene: FLCN (folliculin; minus strand). Cytogenetic location: 17p11.2.
Variant type: single nucleotide variant.
Coding change: c.984G>A on transcript NM_144997.7 (MANE Select); coding-DNA position 984, G replaced by A.
Protein change: p.Glu328=; no amino-acid change (glutamic acid 328 retained).
Molecular consequence: synonymous variant.
Genome position (GRCh38, 1-based): chr17:17,219,097, C>T on the plus strand (G>A on the coding strand, the complement: FLCN is on the minus strand). VCF-style: chr17-17219097-C-T. GRCh37 (hg19) VCF-style: chr17-17122411-C-T.
Other names: c.1038G>A, p.Glu346= (NM_001353229.2); c.984G>A, p.Glu328= (NM_001353230.2, NM_001353231.2).
Identifiers: ClinVar variation 1634041 (VCV001634041.11), dbSNP rs773355729, ClinGen allele CA8416180.